The following is an entry in ClinVar:

NM_001012720.2(RGR):c.239G>A (p.Arg80His)

Gene: RGR (retinal G protein coupled receptor; plus strand). Cytogenetic location: 10q23.1.
Variant type: single nucleotide variant.
Coding change: c.239G>A on transcript NM_001012720.2 (MANE Select); coding-DNA position 239, G replaced by A.
Protein change: p.Arg80His; replaces arginine 80 with histidine.
Molecular consequence: missense variant.
Genome position (GRCh38, 1-based): chr10:84,248,924, G>A. VCF-style: chr10-84248924-G-A. GRCh37 (hg19) VCF-style: chr10-86008680-G-A.
Other names: c.239G>A, p.Arg80His (NM_001012722.2); c.251G>A, p.Arg84His (NM_002921.4); short protein forms R84H, R80H.
Identifiers: ClinVar variation 845997 (VCV000845997.12), dbSNP rs780295976, ClinGen allele CA5581357.

ClinVar aggregate classification (germline): Uncertain significance. Review status: criteria provided, multiple submitters, no conflicts (2 of 4 stars). 4 submissions from 4 submitters: Uncertain significance (3). 1 of the submissions does not count toward it. Last evaluated 2025-04-28.

Conditions:
Retinal dystrophy. Also called: Inherited retinal dystrophy. Identifiers: Orphanet 71862, MedGen C0854723, MeSH D058499, MONDO:0019118, HP:0000556.

Allele frequency attached by ClinVar (database versions not stated): gnomAD below 0.00001 and 0.00003; TOPMed 0.00004; gnomAD exomes 0.00010; ExAC 0.00012.
gnomAD v4.1: 75 of 1,614,210 alleles (0.0046%); highest among the groups gnomAD compares: Middle Eastern, 0.049%; no homozygotes.

Submissions (4):

Labcorp Genetics (formerly Invitae), Labcorp
Classification: Uncertain significance. Last evaluated: 2025-04-28. Review status: criteria provided, single submitter. Criteria: Invitae Variant Classification Sherloc (09022015). Collection method: clinical testing. Allele origin: germline.
Comment: This sequence change replaces arginine, which is basic and polar, with histidine, which is basic and polar, at codon 80 of the RGR protein (p.Arg80His). This variant is present in population databases (rs780295976, gnomAD 0.05%). This variant has not been reported in the literature in individuals affected with RGR-related conditions. ClinVar contains an entry for this variant (Variation ID: 845997). An algorithm developed to predict the effect of missense changes on protein structure and function outputs the following: PolyPhen-2: "Not Available". The histidine amino acid residue is found in multiple mammalian species, which suggests that this missense change does not adversely affect protein function. In summary, the available evidence is currently insufficient to determine the role of this variant in disease. Therefore, it has been classified as a Variant of Uncertain Significance.

Blueprint Genetics
Classification: Uncertain significance. Last evaluated: 2024-08-19. Review status: criteria provided, single submitter. Criteria: ACMG Guidelines, 2015. Collection method: clinical testing. Allele origin: germline.

Ambry Genetics
Classification: Uncertain significance. Last evaluated: 2023-10-13. Review status: criteria provided, single submitter. Criteria: Ambry Variant Classification Scheme 2023. Collection method: clinical testing. Allele origin: germline.

Institute of Human Genetics, Univ. Regensburg, Univ. Regensburg
Classification: Uncertain significance for Retinal dystrophy. Last evaluated: 2012-01-01. Review status: no assertion criteria provided. Criteria: ACMG Guidelines, 2015. Collection method: clinical testing. Allele origin: germline. Affected: yes. Not counted in ClinVar's aggregate classification.